The following is an entry in ClinVar:

NM_006031.6(PCNT):c.8707G>A (p.Ala2903Thr)

Gene: PCNT (pericentrin; plus strand). Cytogenetic location: 21q22.3.
Variant type: single nucleotide variant.
Coding change: c.8707G>A on transcript NM_006031.6 (MANE Select); coding-DNA position 8707, G replaced by A.
Protein change: p.Ala2903Thr; replaces alanine 2903 with threonine.
Molecular consequence: missense variant. On other transcripts: intron variant (1).
Genome position (GRCh38, 1-based): chr21:46,432,171, G>A. VCF-style: chr21-46432171-G-A. GRCh37 (hg19) VCF-style: chr21-47852085-G-A.
Other names: c.8160+193G>A (NM_001315529.2); short protein forms A2903T.
Identifiers: ClinVar variation 159675 (VCV000159675.20), dbSNP rs35147998, ClinGen allele CA173127.
Genomic context (GRCh38, chr21:46,432,171, plus strand): 5'-AAAGAGCAAGAAGGACGCAAGGCTGCGAGGAGGAGCGCGGAGGCCAGGCAGAGCCCAGCG[G>A]CTGCGGAGCAGTGGAGGAAGTGGCAGAGAGACAAGGAGAAGCTGGTGAGAGCCGCCTGCC-3'
Protein context (NP_006022.3, residues 2893-2913): RSAEARQSPA[Ala2903Thr]AEQWRKWQRD

ClinVar aggregate classification (germline): Benign/Likely benign. Review status: criteria provided, multiple submitters, no conflicts (2 of 4 stars). 6 submissions from 6 submitters: Benign (3); Likely benign (2). 1 of the submissions does not count toward it. Last evaluated 2026-02-04.

Conditions:
Microcephalic osteodysplastic primordial dwarfism type II (MOPD2). Also called: Microcephalic osteodysplastic primordial dwarfism with tooth abnormalities; MOPD II; OSTEODYSPLASTIC PRIMORDIAL DWARFISM, TYPE II. Identifiers: Orphanet 2637, MedGen C0432246, MONDO:0008872, OMIM 210720.
PCNT-related disorder. Also called: PCNT-related condition.

Allele frequency attached by ClinVar (database versions not stated): 1000 Genomes Project 0.03854; 1000 Genomes Project 30x 0.03982; TOPMed 0.05327; gnomAD 0.05609 and 0.05666; ESP Exome Variant Server 0.06051; ExAC 0.06349.
gnomAD v4.1: 114,118 of 1,613,078 alleles (7.1%); highest among the groups gnomAD compares: Non-Finnish European, 8%; 4,377 homozygotes.

Submissions (6):

Labcorp Genetics (formerly Invitae), Labcorp
Classification: Benign. Last evaluated: 2026-02-04. Review status: criteria provided, single submitter. Criteria: Invitae Variant Classification Sherloc (09022015). Collection method: clinical testing. Allele origin: germline.

Illumina Laboratory Services, Illumina
Classification: Benign for Microcephalic osteodysplastic primordial dwarfism type II. Last evaluated: 2018-01-12. Review status: criteria provided, single submitter. Criteria: ICSL Variant Classification Criteria 13 December 2019. Collection method: clinical testing. Allele origin: germline.
Comment: This variant was observed in the ICSL laboratory as part of a predisposition screen in an ostensibly healthy population. It had not been previously curated by ICSL or reported in the Human Gene Mutation Database (HGMD: prior to June 1st, 2018), and was therefore a candidate for classification through an automated scoring system. Utilizing variant allele frequency, disease prevalence and penetrance estimates, and inheritance mode, an automated score was calculated to assess if this variant is too frequent to cause the disease. Based on the score and internal cut-off values, a variant classified as benign is not then subjected to further curation. The score for this variant resulted in a classification of benign for this disease.

GeneDx
Classification: Benign. Last evaluated: 2015-03-03. Review status: criteria provided, single submitter. Criteria: GeneDx Variant Classification Process June 2021. Collection method: clinical testing. Allele origin: germline. Affected: yes.

Genetic Services Laboratory, University of Chicago
Classification: Likely benign. Last evaluated: 2013-04-25. Review status: criteria provided, single submitter. Criteria: ACMG Guidelines, 2007. Collection method: clinical testing. Allele origin: germline. Inheritance: Autosomal recessive inheritance.
Comment: Likely benign based on allele frequency in 1000 Genomes Project or ESP global frequency and its presence in a patient with a rare or unrelated disease phenotype. NOT Sanger confirmed

Breakthrough Genomics
Classification: Likely benign. Review status: criteria provided, single submitter. Criteria: ACMG Guidelines, 2015. Collection method: not provided. Allele origin: germline. Inheritance: Autosomal recessive inheritance. Affected: yes.

PreventionGenetics, part of Exact Sciences
Classification: Benign for PCNT-related condition. Last evaluated: 2023-02-01. Review status: no assertion criteria provided. Collection method: clinical testing. Allele origin: germline. Not counted in ClinVar's aggregate classification.
Comment: This variant is classified as benign based on ACMG/AMP sequence variant interpretation guidelines (Richards et al. 2015 PMID: 25741868, with internal and published modifications).